The following is an entry in ClinVar:

NM_006940.6(SOX5):c.1193C>T (p.Ser398Leu)

Gene: SOX5 (SRY-box transcription factor 5; minus strand). Cytogenetic location: 12p12.1.
Variant type: single nucleotide variant.
Coding change: c.1193C>T on transcript NM_006940.6 (MANE Select); coding-DNA position 1193, C replaced by T.
Protein change: p.Ser398Leu; replaces serine 398 with leucine.
Molecular consequence: missense variant. On other transcripts: intron variant (1).
Genome position (GRCh38, 1-based): chr12:23,575,810, G>A on the plus strand (C>T on the coding strand, the complement: SOX5 is on the minus strand). VCF-style: chr12-23575810-G-A. GRCh37 (hg19) VCF-style: chr12-23728744-G-A.
Other names: c.1163C>T, p.Ser388Leu (NM_001261415.3); c.1088C>T, p.Ser363Leu (NM_001330785.2); c.1154C>T, p.Ser385Leu (NM_152989.5); c.35C>T, p.Ser12Leu (NM_178010.4); c.1125+28577C>T (NM_001261414.3); short protein forms S12L, S385L, S388L, S363L, S398L.
Identifiers: ClinVar variation 3393706 (VCV003393706.1).
Genomic context (GRCh38, chr12:23,575,810, plus strand): 5'-GGCATATGGGGAGAGGTGGGTGATGTGGGTGATTTGCCATCAGAGGTCTTGGGTTTAGCT[G>A]ATAGGTTCAGTGGCTGTGCCACTTCATCCTGCAATGATCATTAGAACATGAGCTGTGATA-3'
Protein context (NP_008871.3, residues 388-408): KDEVAQPLNL[Ser398Leu]AKPKTSDGKS

ClinVar aggregate classification (germline): Uncertain significance (1 of 4 stars; one submission).

Submission:

GeneDx
Classification: Uncertain significance. Last evaluated: 2024-07-05. Review status: criteria provided, single submitter. Criteria: GeneDx Variant Classification Process June 2021. Collection method: clinical testing. Allele origin: germline. Affected: yes.
Comment: Not observed at significant frequency in large population cohorts (gnomAD); In silico analysis supports that this missense variant has a deleterious effect on protein structure/function; Has not been previously published as pathogenic or benign to our knowledge